The following is an entry in ClinVar:

NM_002233.4(KCNA4):c.1311C>T (p.Ala437=)

Gene: KCNA4 (potassium voltage-gated channel subfamily A member 4; minus strand). Cytogenetic location: 11p14.1.
Variant type: single nucleotide variant.
Coding change: c.1311C>T on transcript NM_002233.4 (MANE Select); coding-DNA position 1311, C replaced by T.
Protein change: p.Ala437=; no amino-acid change (alanine 437 retained).
Molecular consequence: synonymous variant.
Genome position (GRCh38, 1-based): chr11:30,011,368, G>A on the plus strand (C>T on the coding strand, the complement: KCNA4 is on the minus strand). VCF-style: chr11-30011368-G-A. GRCh37 (hg19) VCF-style: chr11-30032915-G-A.
Identifiers: ClinVar variation 1694635 (VCV001694635.31), dbSNP rs1338908408, ClinGen allele CA473782523.
Genomic context (GRCh38, chr11:30,011,368, plus strand): 5'-GAGTTTGAAGATCCGGAATACTCGGACCAGACGAATGATTCTGAGGATGGCAAAGGACAT[G>A]GCCTGCTGCTGCTGACCATTGCCACCCCCCTGTTGCTGGGCCAGGTCAGTGCCCAGTGTG-3'
Protein context (NP_002224.1, residues 427-447): QGGGNGQQQQ[Ala437=]MSFAILRIIR

ClinVar aggregate classification (germline): Likely benign (1 of 4 stars; one submission).

Allele frequency attached by ClinVar (database versions not stated): gnomAD exomes below 0.00001.
gnomAD v4.1: 5 of 1,614,134 alleles (0.00031%); highest among the groups gnomAD compares: Non-Finnish European, 0.00042%; no homozygotes.

Submission:

CeGaT Center for Human Genetics Tuebingen
Classification: Likely benign. Last evaluated: 2022-05-01. Review status: criteria provided, single submitter. Criteria: CeGaT Center For Human Genetics Tuebingen Variant Classification Criteria Version 2. Collection method: clinical testing. Allele origin: germline. Affected: yes. Observed: 1 variant allele.
Comment: KCNA4: BP4, BP7